The following is an entry in ClinVar:

ClinVar aggregate classification (germline): Uncertain significance (1 of 4 stars; one submission).

Conditions:
Oligodontia-cancer predisposition syndrome. Also called: TOOTH AGENESIS-COLORECTAL CANCER SYNDROME. Identifiers: Orphanet 300576, MedGen C1837750, MONDO:0012075, OMIM 608615. Disease mechanism: loss of function.

Submission:

Labcorp Genetics (formerly Invitae), Labcorp
Classification: Uncertain significance for Oligodontia-cancer predisposition syndrome. Last evaluated: 2022-09-01. Review status: criteria provided, single submitter. Criteria: Invitae Variant Classification Sherloc (09022015). Collection method: clinical testing. Allele origin: germline.
Comment: In summary, the available evidence is currently insufficient to determine the role of this variant in disease. Therefore, it has been classified as a Variant of Uncertain Significance. Experimental studies and prediction algorithms are not available or were not evaluated, and the functional significance of this variant is currently unknown. This variant has not been reported in the literature in individuals affected with AXIN2-related conditions. This variant results in a copy number gain of the genomic region encompassing exon(s) 2-3 of the AXIN2 gene. This region includes the initiator codon of the gene. This copy number gain extends beyond the assayed region for this gene and therefore may encompass additional genes. As the precise location of this event is unknown, it may be in tandem or it may be located elsewhere in the genome.

NC_000017.10:g.(?_63545628)_(63554738_?)dup

Gene: AXIN2 (axin 2; minus strand). Cytogenetic location: 17q24.1.
Variant type: Duplication.
Identifiers: ClinVar variation 2425196 (VCV002425196.4).